The following is an entry in ClinVar:

ClinVar aggregate classification (germline): Uncertain significance (1 of 4 stars; one submission).

Conditions:
Pitt-Hopkins-like syndrome 2 (PTHSL2). Identifiers: Orphanet 221150, Orphanet 600663, MedGen C3280479, MONDO:0013690, OMIM 614325.

Allele frequency attached by ClinVar (database versions not stated): ExAC 0.00002; TOPMed 0.00002; gnomAD 0.00003.
gnomAD v4.1: 5 of 1,603,348 alleles (0.00031%); highest among the groups gnomAD compares: African/African-American, 0.0053%; no homozygotes.

Submission:

Labcorp Genetics (formerly Invitae), Labcorp
Classification: Uncertain significance for Pitt-Hopkins-like syndrome 2. Last evaluated: 2024-10-15. Review status: criteria provided, single submitter. Criteria: Invitae Variant Classification Sherloc (09022015). Collection method: clinical testing. Allele origin: germline.
Comment: This sequence change replaces cysteine, which is neutral and slightly polar, with serine, which is neutral and polar, at codon 265 of the NRXN1 protein (p.Cys265Ser). The frequency data for this variant in the population databases is considered unreliable, as metrics indicate poor data quality at this position in the gnomAD database. This variant has not been reported in the literature in individuals affected with NRXN1-related conditions. Invitae Evidence Modeling of protein sequence and biophysical properties (such as structural, functional, and spatial information, amino acid conservation, physicochemical variation, residue mobility, and thermodynamic stability) indicates that this missense variant is not expected to disrupt NRXN1 protein function with a negative predictive value of 80%. In summary, the available evidence is currently insufficient to determine the role of this variant in disease. Therefore, it has been classified as a Variant of Uncertain Significance.

NM_001330078.2(NRXN1):c.772+1053T>A

Gene: NRXN1 (neurexin 1; minus strand). Cytogenetic location: 2p16.3.
Variant type: single nucleotide variant.
Coding change: c.772+1053T>A on transcript NM_001330078.2 (MANE Select); 1053 bases into the intron after coding-DNA position 772, T replaced by A.
Molecular consequence: intron variant. On other transcripts: missense variant (1).
Genome position (GRCh38, 1-based): chr2:51,026,449, A>T on the plus strand (T>A on the coding strand, the complement: NRXN1 is on the minus strand). VCF-style: chr2-51026449-A-T. GRCh37 (hg19) VCF-style: chr2-51253587-A-T.
Other names: c.793T>A, p.Cys265Ser (NM_001135659.3); c.772+1053T>A (NM_001330096.2, NM_001330087.2, NM_001330083.2 and 14 more transcripts); short protein forms C265S.
Identifiers: ClinVar variation 3007426 (VCV003007426.3), dbSNP rs757831813, ClinGen allele CA1655393.